The following is an entry in ClinVar:

NM_004519.4(KCNQ3):c.2413A>G (p.Ser805Gly)

Gene: KCNQ3 (potassium voltage-gated channel subfamily Q member 3; minus strand). Cytogenetic location: 8q24.22.
Variant type: single nucleotide variant.
Coding change: c.2413A>G on transcript NM_004519.4 (MANE Select); coding-DNA position 2413, A replaced by G.
Protein change: p.Ser805Gly; replaces serine 805 with glycine.
Molecular consequence: missense variant.
Genome position (GRCh38, 1-based): chr8:132,129,468, T>C on the plus strand (A>G on the coding strand, the complement: KCNQ3 is on the minus strand). VCF-style: chr8-132129468-T-C. GRCh37 (hg19) VCF-style: chr8-133141715-T-C.
Other names: c.2053A>G, p.Ser685Gly (NM_001204824.2); short protein forms S805G, S685G.
Identifiers: ClinVar variation 2722677 (VCV002722677.3), dbSNP rs2536856788, ClinGen allele CA372215953.
Genomic context (GRCh38, chr8:132,129,468, plus strand): 5'-TCGACCCCCCATTGGGGCCGAACACATAATCATCTCTGTCCTGGGAGATGCTGAAGCCAC[T>C]TGGAGACCTCTCCAGCTCCTCGTGGTTGACCGACATCAGGGACAGAGGTGTGTCACTGTC-3'
Protein context (NP_004510.1, residues 795-815): VNHEELERSP[Ser805Gly]GFSISQDRDD

ClinVar aggregate classification (germline): Uncertain significance (1 of 4 stars; one submission).

Conditions:
Benign neonatal seizures. Also called: Convulsions benign familial neonatal dominant form; Autosomal dominant form of benign neonatal seizures; Benign neonatal familial convulsions; Benign familial neonatal seizures; Benign familial neonatal epilepsy. Identifiers: Orphanet 1949, MedGen C0220669, MONDO:0016027.

Submission:

Labcorp Genetics (formerly Invitae), Labcorp
Classification: Uncertain significance for Benign neonatal seizures. Last evaluated: 2023-09-07. Review status: criteria provided, single submitter. Criteria: Invitae Variant Classification Sherloc (09022015). Collection method: clinical testing. Allele origin: germline.
Comment: This sequence change replaces serine, which is neutral and polar, with glycine, which is neutral and non-polar, at codon 805 of the KCNQ3 protein (p.Ser805Gly). In summary, the available evidence is currently insufficient to determine the role of this variant in disease. Therefore, it has been classified as a Variant of Uncertain Significance. Advanced modeling of protein sequence and biophysical properties (such as structural, functional, and spatial information, amino acid conservation, physicochemical variation, residue mobility, and thermodynamic stability) has been performed at Invitae for this missense variant, however the output from this modeling did not meet the statistical confidence thresholds required to predict the impact of this variant on KCNQ3 protein function. This variant has not been reported in the literature in individuals affected with KCNQ3-related conditions. This variant is not present in population databases (gnomAD no frequency).